The following is an entry in ClinVar:

ClinVar aggregate classification (germline): Uncertain significance (1 of 4 stars; one submission).

Submission:

Labcorp Genetics (formerly Invitae), Labcorp
Classification: Uncertain significance. Last evaluated: 2025-03-07. Review status: criteria provided, single submitter. Criteria: Invitae Variant Classification Sherloc (09022015). Collection method: clinical testing. Allele origin: germline.
Comment: This sequence change replaces proline, which is neutral and non-polar, with alanine, which is neutral and non-polar, at codon 2175 of the COL7A1 protein (p.Pro2175Ala). This variant is not present in population databases (gnomAD no frequency). This variant has not been reported in the literature in individuals affected with COL7A1-related conditions. Invitae Evidence Modeling of protein sequence and biophysical properties (such as structural, functional, and spatial information, amino acid conservation, physicochemical variation, residue mobility, and thermodynamic stability) indicates that this missense variant is not expected to disrupt COL7A1 protein function with a negative predictive value of 95%. In summary, the available evidence is currently insufficient to determine the role of this variant in disease. Therefore, it has been classified as a Variant of Uncertain Significance.

NM_000094.4(COL7A1):c.6523C>G (p.Pro2175Ala)

Gene: COL7A1 (collagen type VII alpha 1 chain; minus strand). Cytogenetic location: 3p21.31.
Variant type: single nucleotide variant.
Coding change: c.6523C>G on transcript NM_000094.4 (MANE Select); coding-DNA position 6523, C replaced by G.
Protein change: p.Pro2175Ala; replaces proline 2175 with alanine.
Molecular consequence: missense variant.
Genome position (GRCh38, 1-based): chr3:48,573,869, G>C on the plus strand (C>G on the coding strand, the complement: COL7A1 is on the minus strand). VCF-style: chr3-48573869-G-C. GRCh37 (hg19) VCF-style: chr3-48611302-G-C.
Other names: short protein forms P2175A.
Identifiers: ClinVar variation 4765704 (VCV004765704.1).